The following is an entry in ClinVar:

NM_000742.4(CHRNA2):c.563C>T (p.Thr188Ile)

Gene: CHRNA2 (cholinergic receptor nicotinic alpha 2 subunit; minus strand). Cytogenetic location: 8p21.2.
Variant type: single nucleotide variant.
Coding change: c.563C>T on transcript NM_000742.4 (MANE Select); coding-DNA position 563, C replaced by T.
Protein change: p.Thr188Ile; replaces threonine 188 with isoleucine.
Molecular consequence: missense variant. On other transcripts: intron variant (2).
Genome position (GRCh38, 1-based): chr8:27,463,880, G>A on the plus strand (C>T on the coding strand, the complement: CHRNA2 is on the minus strand). VCF-style: chr8-27463880-G-A. GRCh37 (hg19) VCF-style: chr8-27321397-G-A.
Other names: c.518C>T, p.Thr173Ile (NM_001282455.2); c.86C>T, p.Thr29Ile (NM_001347705.2, NM_001347706.2); c.-12-20C>T (NM_001347708.2); c.-9-23C>T (NM_001347707.2); short protein forms T173I, T188I, T29I.
Identifiers: ClinVar variation 3612068 (VCV003612068.2).

ClinVar aggregate classification (germline): Uncertain significance (1 of 4 stars; one submission).

Conditions:
Familial sleep-related hypermotor epilepsy. Also called: Autosomal Dominant Sleep-Related Hypermotor (Hyperkinetic) Epilepsy. Identifiers: Orphanet 98784, MedGen C3696898, MONDO:0000030.

gnomAD v4.1: 3 of 1,614,204 alleles (0.00019%); highest among the groups gnomAD compares: Non-Finnish European, 0.00025%; no homozygotes.

Submission:

Labcorp Genetics (formerly Invitae), Labcorp
Classification: Uncertain significance. Last evaluated: 2025-01-06. Review status: criteria provided, single submitter. Criteria: Invitae Variant Classification Sherloc (09022015). Collection method: clinical testing. Allele origin: germline.
Comment: This sequence change replaces threonine, which is neutral and polar, with isoleucine, which is neutral and non-polar, at codon 188 of the CHRNA2 protein (p.Thr188Ile). This variant is not present in population databases (gnomAD no frequency). This variant has not been reported in the literature in individuals affected with CHRNA2-related conditions. Invitae Evidence Modeling of protein sequence and biophysical properties (such as structural, functional, and spatial information, amino acid conservation, physicochemical variation, residue mobility, and thermodynamic stability) indicates that this missense variant is expected to disrupt CHRNA2 protein function with a positive predictive value of 80%. In summary, the available evidence is currently insufficient to determine the role of this variant in disease. Therefore, it has been classified as a Variant of Uncertain Significance.